The following is an entry in ClinVar:

ClinVar aggregate classification (germline): Uncertain significance (1 of 4 stars; one submission).

Conditions:
Duchenne muscular dystrophy (DMD). Also called: MUSCULAR DYSTROPHY, PSEUDOHYPERTROPHIC PROGRESSIVE, DUCHENNE TYPE; Duchenne Muscular Dystrophy (DMD). Identifiers: Orphanet 98896, MedGen C0013264, MONDO:0010679, OMIM 310200.

Allele frequency attached by ClinVar (database versions not stated): gnomAD exomes below 0.00001.
gnomAD v4.1: 4 of 1,211,972 alleles (0.00033%); highest among the groups gnomAD compares: South Asian, 0.0053%; no homozygotes.

Submission:

Labcorp Genetics (formerly Invitae), Labcorp
Classification: Uncertain significance for Duchenne muscular dystrophy. Last evaluated: 2025-12-29. Review status: criteria provided, single submitter. Criteria: Invitae Variant Classification Sherloc (09022015). Collection method: clinical testing. Allele origin: germline.
Comment: This sequence change replaces phenylalanine, which is neutral and non-polar, with tyrosine, which is neutral and polar, at codon 590 of the DMD protein (p.Phe590Tyr). This variant is present in population databases (no rsID available, gnomAD 0.005%). This variant has not been reported in the literature in individuals affected with DMD-related conditions. ClinVar contains an entry for this variant (Variation ID: 1986111). Invitae Evidence Modeling of protein sequence and biophysical properties (such as structural, functional, and spatial information, amino acid conservation, physicochemical variation, residue mobility, and thermodynamic stability) indicates that this missense variant is not expected to disrupt DMD protein function with a negative predictive value of 95%. In summary, the available evidence is currently insufficient to determine the role of this variant in disease. Therefore, it has been classified as a Variant of Uncertain Significance.

NM_004006.3(DMD):c.1769T>A (p.Phe590Tyr)

Gene: DMD (dystrophin; minus strand). Cytogenetic location: Xp21.1.
Variant type: single nucleotide variant.
Coding change: c.1769T>A on transcript NM_004006.3 (MANE Select); coding-DNA position 1769, T replaced by A.
Protein change: p.Phe590Tyr; replaces phenylalanine 590 with tyrosine.
Molecular consequence: missense variant.
Genome position (GRCh38, 1-based): chrX:32,573,573, A>T on the plus strand (T>A on the coding strand, the complement: DMD is on the minus strand). VCF-style: chrX-32573573-A-T. GRCh37 (hg19) VCF-style: chrX-32591690-A-T.
Other names: c.1745T>A, p.Phe582Tyr (NM_000109.4); c.1757T>A, p.Phe586Tyr (NM_004009.3); c.1400T>A, p.Phe467Tyr (NM_004010.3); short protein forms F590Y, F467Y, F586Y, F582Y.
Identifiers: ClinVar variation 1986111 (VCV001986111.2), dbSNP rs1329470631, ClinGen allele CA412673163.